The following is an entry in ClinVar:

NM_013450.4(BAZ2B):c.1133C>T (p.Thr378Met)

Genes: BAZ2B (bromodomain adjacent to zinc finger domain 2B; minus strand), LOC126806391 (MED14-independent group 3 enhancer GRCh37_chr2:160294250-160295449; plus strand). Cytogenetic location: 2q24.2.
Variant type: single nucleotide variant.
Coding change: c.1133C>T on transcript NM_013450.4 (MANE Select); coding-DNA position 1133, C replaced by T.
Protein change: p.Thr378Met; replaces threonine 378 with methionine.
Molecular consequence: missense variant.
Genome position (GRCh38, 1-based): chr2:159,438,463, G>A on the plus strand (C>T on the coding strand, the complement: BAZ2B is on the minus strand). VCF-style: chr2-159438463-G-A. GRCh37 (hg19) VCF-style: chr2-160294974-G-A.
Other names: c.1127C>T, p.Thr376Met (NM_001289975.1); c.944C>T, p.Thr315Met (NM_001329857.2); c.1133C>T, p.Thr378Met (NM_001329858.2); short protein forms T315M, T376M, T378M.
Identifiers: ClinVar variation 2636627 (VCV002636627.1), dbSNP rs759249025, ClinGen allele CA1924980.

ClinVar aggregate classification (germline): Uncertain significance (1 of 4 stars; one submission).

Conditions:
BAZ2B-related disorder. Also called: BAZ2B-related condition.

gnomAD v4.1: 5 of 1,614,098 alleles (0.00031%); highest among the groups gnomAD compares: South Asian, 0.0011%; no homozygotes.

Submission:

PreventionGenetics, part of Exact Sciences
Classification: Uncertain significance for BAZ2B-related condition. Last evaluated: 2023-09-25. Review status: criteria provided, single submitter. Criteria: ACMG Guidelines, 2015. Collection method: clinical testing. Allele origin: germline.
Comment: The BAZ2B c.1127C>T variant is predicted to result in the amino acid substitution p.Thr376Met. To our knowledge, this variant has not been reported in the literature. This variant is reported in 0.0033% of alleles in individuals of South Asian descent in gnomAD. At this time, the clinical significance of this variant is uncertain due to the absence of conclusive functional and genetic evidence.